The following is an entry in ClinVar:

ClinVar aggregate classification (germline): Uncertain significance (1 of 4 stars; one submission).

Submission:

Labcorp Genetics (formerly Invitae), Labcorp
Classification: Uncertain significance. Last evaluated: 2021-07-27. Review status: criteria provided, single submitter. Criteria: Invitae Variant Classification Sherloc (09022015). Collection method: clinical testing. Allele origin: germline.
Comment: This variant has not been reported in the literature in individuals affected with NEXMIF-related conditions. This sequence change replaces glycine with arginine at codon 1387 of the NEXMIF protein (p.Gly1387Arg). The glycine residue is highly conserved and there is a moderate physicochemical difference between glycine and arginine. This variant is not present in population databases (ExAC no frequency). Algorithms developed to predict the effect of missense changes on protein structure and function (SIFT, PolyPhen-2, Align-GVGD) all suggest that this variant is likely to be disruptive. In summary, the available evidence is currently insufficient to determine the role of this variant in disease. Therefore, it has been classified as a Variant of Uncertain Significance.

NM_001008537.3(NEXMIF):c.4159G>C (p.Gly1387Arg)

Gene: NEXMIF (neurite extension and migration factor; minus strand). Cytogenetic location: Xq13.3.
Variant type: single nucleotide variant.
Coding change: c.4159G>C on transcript NM_001008537.3 (MANE Select); coding-DNA position 4159, G replaced by C.
Protein change: p.Gly1387Arg; replaces glycine 1387 with arginine.
Molecular consequence: missense variant.
Genome position (GRCh38, 1-based): chrX:74,740,398, C>G on the plus strand (G>C on the coding strand, the complement: NEXMIF is on the minus strand). VCF-style: chrX-74740398-C-G. GRCh37 (hg19) VCF-style: chrX-73960233-C-G.
Other names: short protein forms G1387R.
Identifiers: ClinVar variation 1406707 (VCV001406707.8), dbSNP rs2147438927, ClinGen allele CA413663896.